The following is an entry in ClinVar:

NM_000169.3(GLA):c.493G>T (p.Asp165Tyr)

Genes: GLA (galactosidase alpha; minus strand), RPL36A-HNRNPH2 (RPL36A-HNRNPH2 readthrough; plus strand). Cytogenetic location: Xq22.1.
Variant type: single nucleotide variant.
Coding change: c.493G>T on transcript NM_000169.3 (MANE Select); coding-DNA position 493, G replaced by T.
Protein change: p.Asp165Tyr; replaces aspartic acid 165 with tyrosine.
Molecular consequence: missense variant. On other transcripts: non-coding transcript variant (3), intron variant (2).
Genome position (GRCh38, 1-based): chrX:101,401,686, C>A on the plus strand (G>T on the coding strand, the complement: GLA is on the minus strand). VCF-style: chrX-101401686-C-A. GRCh37 (hg19) VCF-style: chrX-100656674-C-A.
Other names: c.616G>T, p.Asp206Tyr (NM_001406747.1, NM_001406749.1); c.493G>T, p.Asp165Tyr (NM_001406748.1); c.300+6229C>A (NM_001199973.2); c.177+9864C>A (NM_001199974.2); short protein forms D165Y, D206Y.
Identifiers: ClinVar variation 4087393 (VCV004087393.2).

ClinVar aggregate classification (germline): Pathogenic (1 of 4 stars; one submission).

Conditions:
Fabry disease. Also called: ALPHA-GALACTOSIDASE A DEFICIENCY; ANDERSON-FABRY DISEASE; CERAMIDE TRIHEXOSIDASE DEFICIENCY; GLA DEFICIENCY; HEREDITARY DYSTOPIC LIPIDOSIS; Angiokeratoma corporis diffusum. Identifiers: Orphanet 324, MedGen C0002986, MONDO:0010526, OMIM 301500, HP:0001071. Disease mechanism: Fabry disease is due to inactivating mutations in the X-linked GLA gene resulting in deficiency of the enzyme Alpha Galactosidase-A., loss of function.

Submission:

Genomenon, Inc
Classification: Pathogenic for Fabry disease. Last evaluated: 2026-09-08. Review status: criteria provided, single submitter. Criteria: Genomenon Sequence Variant Interpretation Standards - Updated. Collection method: curation. Allele origin: germline. Affected: yes.
Comment: GLA p.Asp165Tyr (c.493G>T) is a missense variant that changes the amino acid at codon 165 from Aspartic acid to Tyrosine. This variant has been observed in at least one proband with clinical features consistent with Fabry disease (PMID:27560961;36140787). At least one functional study has demonstrated a substantial alteration in protein function relative to the wild-type (PMID:32023956;27657681;23935525). This variant is located in a mutational hotspot and/or important functional domain. It is absent or not present at a significant frequency in gnomAD. In silico models predict that this variant is possibly or probably damaging. In conclusion, we classify GLA p.Asp165Tyr (c.493G>T) as a pathogenic variant.

Literature cited by the submitters: PubMed 27560961; PubMed 36140787; PubMed 32023956; PubMed 27657681; PubMed 23935525.